The following is an entry in ClinVar:

NM_001374353.1(GLI2):c.2804G>C (p.Gly935Ala)

Gene: GLI2 (GLI family zinc finger 2; plus strand). Cytogenetic location: 2q14.2.
Variant type: single nucleotide variant.
Coding change: c.2804G>C on transcript NM_001374353.1 (MANE Select); coding-DNA position 2804, G replaced by C.
Protein change: p.Gly935Ala; replaces glycine 935 with alanine.
Molecular consequence: missense variant.
Genome position (GRCh38, 1-based): chr2:120,988,769, G>C. VCF-style: chr2-120988769-G-C. GRCh37 (hg19) VCF-style: chr2-121746345-G-C.
Other names: c.2855G>C, p.Gly952Ala (NM_005270.5, NM_001371271.1); c.2429G>C, p.Gly810Ala (NM_001374354.1); short protein forms G935A, G952A, G810A.
Identifiers: ClinVar variation 798254 (VCV000798254.17), dbSNP rs970835131, ClinGen allele CA54381859.
Genomic context (GRCh38, chr2:120,988,769, plus strand): 5'-CACGCCCACTGGGGCCGCGGCGTGGCAGCGACGGGCCGACCTATGGCCACGGCCACGCGG[G>C]GGCTGCGCCCGCCTTCCCCCACGAGGCTCCAGGCGGCGGAGCCAGGCGGGCCAGCGACCC-3'
Protein context (NP_001361282.1, residues 925-945): DGPTYGHGHA[Gly935Ala]AAPAFPHEAP

ClinVar aggregate classification (germline): Likely benign. Review status: criteria provided, multiple submitters, no conflicts (2 of 4 stars). 6 submissions from 6 submitters: Likely benign (5). 1 of the submissions does not count toward it. Last evaluated 2026-03-23.

Conditions:
Inborn genetic diseases. Identifiers: MedGen C0950123, MeSH D030342.
Holoprosencephaly 9 (HPE9). Also called: PITUITARY ANOMALIES WITH HOLOPROSENCEPHALY-LIKE FEATURES; HOLOPROSENCEPHALY WITH MICROPHTHALMIA AND FIRST BRANCHIAL ARCH ANOMALIES. Identifiers: Orphanet 2162, MedGen C1835819, MONDO:0012563, OMIM 610829.
Postaxial polydactyly-anterior pituitary anomalies-facial dysmorphism syndrome. Also called: Culler-Jones syndrome. Identifiers: Orphanet 420584, MedGen C4014479, MONDO:0014369, OMIM 615849.
GLI2-related disorder. Also called: GLI2-related condition; GLI2-related disorders.

Allele frequency attached by ClinVar (database versions not stated): gnomAD exomes 0.00002 and 0.00006; gnomAD 0.00042 and 0.00046; TOPMed 0.00054; 1000 Genomes Project 30x 0.00094.
gnomAD v4.1: 86 of 1,294,796 alleles (0.0066%); highest among the groups gnomAD compares: African/African-American, 0.13%; 1 homozygote.

Submissions (6):

Women's Health and Genetics/Laboratory Corporation of America, LabCorp
Classification: Likely benign. Last evaluated: 2026-03-23. Review status: criteria provided, single submitter. Criteria: LabCorp Variant Classification Summary - May 2015. Collection method: clinical testing. Allele origin: germline.
Comment: Variant summary: GLI2 c.2855G>C (p.Gly952Ala) results in a non-conservative amino acid change in the encoded protein sequence. Algorithms developed to predict the effect of missense changes on protein structure and function are either unavailable or do not agree on the potential impact of this missense change. The variant allele was found at a frequency of 6.6e-05 in 1294796 control chromosomes, predominantly at a frequency of 0.0013 within the African or African-American subpopulation in the gnomAD database, including 1 homozygote. The observed variant frequency within African or African-American control individuals in the gnomAD database exceeds the estimated maximal expected allele frequency for disease-causing variants in GLI2. To our knowledge, no occurrence of c.2855G>C in individuals affected with GLI2-related conditions and no experimental evidence demonstrating its impact on protein function have been reported. ClinVar contains an entry for this variant (Variation ID: 798254). Based on the evidence outlined above, the variant was classified as likely benign.

Labcorp Genetics (formerly Invitae), Labcorp
Classification: Likely benign for Postaxial polydactyly-anterior pituitary anomalies-facial dysmorphism syndrome; Holoprosencephaly 9. Last evaluated: 2025-06-18. Review status: criteria provided, single submitter. Criteria: Invitae Variant Classification Sherloc (09022015). Collection method: clinical testing. Allele origin: germline.

Blueprint Genetics
Classification: Likely benign. Last evaluated: 2024-07-02. Review status: criteria provided, single submitter. Criteria: ACMG Guidelines, 2015. Collection method: clinical testing. Allele origin: germline.

Ambry Genetics
Classification: Likely benign for Inborn genetic diseases. Last evaluated: 2023-09-25. Review status: criteria provided, single submitter. Criteria: Ambry Variant Classification Scheme 2023. Collection method: clinical testing. Allele origin: germline.

Breakthrough Genomics
Classification: Likely benign. Review status: criteria provided, single submitter. Criteria: ACMG Guidelines, 2015. Collection method: not provided. Allele origin: germline. Inheritance: Autosomal dominant inheritance. Affected: yes.

PreventionGenetics, part of Exact Sciences
Classification: Likely benign for GLI2-related condition. Last evaluated: 2022-04-27. Review status: no assertion criteria provided. Collection method: clinical testing. Allele origin: germline. Not counted in ClinVar's aggregate classification.
Comment: This variant is classified as likely benign based on ACMG/AMP sequence variant interpretation guidelines (Richards et al. 2015 PMID: 25741868, with internal and published modifications).